The following is an entry in ClinVar:

NM_004380.3(CREBBP):c.5776C>G (p.Arg1926Gly)

Gene: CREBBP (CREB binding lysine acetyltransferase; minus strand). Cytogenetic location: 16p13.3.
Variant type: single nucleotide variant.
Coding change: c.5776C>G on transcript NM_004380.3 (MANE Select); coding-DNA position 5776, C replaced by G.
Protein change: p.Arg1926Gly; replaces arginine 1926 with glycine.
Molecular consequence: missense variant.
Genome position (GRCh38, 1-based): chr16:3,729,271, G>C on the plus strand (C>G on the coding strand, the complement: CREBBP is on the minus strand). VCF-style: chr16-3729271-G-C. GRCh37 (hg19) VCF-style: chr16-3779272-G-C.
Other names: c.5662C>G, p.Arg1888Gly (NM_001079846.1); c.5776C>G (NM_004380.2); short protein forms R1888G, R1926G.
Identifiers: ClinVar variation 803202 (VCV000803202.8), dbSNP rs778915687, ClinGen allele CA7869247.

ClinVar aggregate classification (germline): Benign/Likely benign. Review status: criteria provided, multiple submitters, no conflicts (2 of 4 stars). 4 submissions from 4 submitters: Benign (1); Likely benign (2). 1 of the submissions does not count toward it. Last evaluated 2025-11-10.

Conditions:
Rubinstein-Taybi syndrome due to CREBBP mutations (RSTS1). Also called: BROAD THUMBS AND GREAT TOES, CHARACTERISTIC FACIES, AND IMPAIRED INTELLECTUAL DEVELOPMENT; RUBINSTEIN SYNDROME; RUBINSTEIN-TAYBI SYNDROME 1, INCOMPLETE; BROAD THUMB-HALLUX SYNDROME; Rubinstein-Taybi syndrome 1; CREBBP-Related Rubinstein-Taybi Syndrome. Identifiers: Orphanet 353277, Orphanet 783, MedGen C4551859, MONDO:0008393, OMIM 180849.
CREBBP-related disorder. Also called: CREBBP-related condition; CREBBP-related disorders.
Rubinstein-Taybi syndrome (RSTS). Identifiers: Orphanet 783, MedGen C0035934, MONDO:0019188.

Allele frequency attached by ClinVar (database versions not stated): ExAC below 0.00001; TOPMed 0.00009; gnomAD 0.00013; gnomAD exomes 0.00015.
gnomAD v4.1: 47 of 1,531,148 alleles (0.0031%); highest among the groups gnomAD compares: Admixed American, 0.075%; no homozygotes.

Submissions (4):

Labcorp Genetics (formerly Invitae), Labcorp
Classification: Benign for Rubinstein-Taybi syndrome. Last evaluated: 2025-11-10. Review status: criteria provided, single submitter. Criteria: Invitae Variant Classification Sherloc (09022015). Collection method: clinical testing. Allele origin: germline.

Blueprint Genetics
Classification: Likely benign. Last evaluated: 2024-01-03. Review status: criteria provided, single submitter. Criteria: ACMG Guidelines, 2015. Collection method: clinical testing. Allele origin: germline.

Mendelics
Classification: Likely benign for Rubinstein-Taybi syndrome due to CREBBP mutations. Last evaluated: 2019-05-28. Review status: criteria provided, single submitter. Criteria: Mendelics Assertion Criteria 2017. Collection method: clinical testing. Allele origin: unknown.

PreventionGenetics, part of Exact Sciences
Classification: Likely benign for CREBBP-related condition. Last evaluated: 2021-09-25. Review status: no assertion criteria provided. Collection method: clinical testing. Allele origin: germline. Not counted in ClinVar's aggregate classification.
Comment: This variant is classified as likely benign based on ACMG/AMP sequence variant interpretation guidelines (Richards et al. 2015 PMID: 25741868, with internal and published modifications).